The following is an entry in ClinVar:

ClinVar aggregate classification (germline): Pathogenic (1 of 4 stars; one submission).

Conditions:
Carnitine palmitoyltransferase II deficiency. Also called: Carnitine Palmitoyltransferase 2 Deficiency. Identifiers: Orphanet 157, MedGen C0342790, MONDO:0015515.

Submission:

Labcorp Genetics (formerly Invitae), Labcorp
Classification: Pathogenic for Carnitine palmitoyltransferase II deficiency. Last evaluated: 2021-10-24. Review status: criteria provided, single submitter. Criteria: Invitae Variant Classification Sherloc (09022015). Collection method: clinical testing. Allele origin: germline.
Comment: For these reasons, this variant has been classified as Pathogenic. This variant has not been reported in the literature in individuals affected with CPT2-related conditions. This variant is not present in population databases (gnomAD no frequency). This sequence change creates a premature translational stop signal (p.Arg518Glyfs*9) in the CPT2 gene. It is expected to result in an absent or disrupted protein product. Loss-of-function variants in CPT2 are known to be pathogenic (PMID: 16781677, 16996287).

Literature cited by the submitters: PubMed 16781677; PubMed 16996287.

NM_000098.3(CPT2):c.1552_1553del (p.Arg518fs)

Gene: CPT2 (carnitine palmitoyltransferase 2; plus strand). Cytogenetic location: 1p32.3.
Variant type: Deletion.
Coding change: c.1552_1553del on transcript NM_000098.3 (MANE Select); coding-DNA positions 1552 to 1553, 2 bases deleted (AG; older notation c.1552_1553delAG).
Protein change: p.Arg518fs; shifts the reading frame from arginine 518.
Molecular consequence: frameshift variant.
Genome position (GRCh38, 1-based): chr1:53,211,226-53,211,227, AG deleted. VCF-style (leftmost placement, unchanged base first): chr1-53211225-CAG-C. GRCh37 (hg19) VCF-style: chr1-53676897-CAG-C.
Other names: c.1552_1553del, p.Arg518fs (NM_001330589.2); short protein forms R518fs.
Identifiers: ClinVar variation 1454008 (VCV001454008.6), dbSNP rs2100274755, ClinGen allele CA2573131926.